The following is an entry in ClinVar:

ClinVar aggregate classification (germline): Uncertain significance (1 of 4 stars; one submission).

Conditions:
Evans syndrome, immunodeficiency, and premature immunosenescence associated with tripeptidyl-peptidase II deficiency. Identifiers: MedGen CN231723. Disease mechanism: loss of function.

Allele frequency attached by ClinVar (database versions not stated): ExAC 0.00001; gnomAD 0.00001; gnomAD exomes 0.00002.
gnomAD v4.1: 35 of 1,610,684 alleles (0.0022%); highest among the groups gnomAD compares: Non-Finnish European, 0.003%; no homozygotes.

Submission:

Labcorp Genetics (formerly Invitae), Labcorp
Classification: Uncertain significance for Evans syndrome, immunodeficiency, and premature immunosenescence associated with tripeptidyl-peptidase II deficiency. Last evaluated: 2023-09-05. Review status: criteria provided, single submitter. Criteria: Invitae Variant Classification Sherloc (09022015). Collection method: clinical testing. Allele origin: germline.
Comment: This variant is present in population databases (rs762204578, gnomAD 0.003%). In summary, the available evidence is currently insufficient to determine the role of this variant in disease. Therefore, it has been classified as a Variant of Uncertain Significance. An algorithm developed to predict the effect of missense changes on protein structure and function (PolyPhen-2) suggests that this variant is likely to be tolerated. This variant has not been reported in the literature in individuals affected with TPP2-related conditions. This sequence change replaces glutamic acid, which is acidic and polar, with aspartic acid, which is acidic and polar, at codon 1213 of the TPP2 protein (p.Glu1213Asp).

NM_001330588.2(TPP2):c.3678A>T (p.Glu1226Asp)

Gene: TPP2 (tripeptidyl peptidase 2; plus strand). Cytogenetic location: 13q33.1.
Variant type: single nucleotide variant.
Coding change: c.3678A>T on transcript NM_001330588.2 (MANE Select); coding-DNA position 3678, A replaced by T.
Protein change: p.Glu1226Asp; replaces glutamic acid 1226 with aspartic acid.
Molecular consequence: missense variant. On other transcripts: non-coding transcript variant (1).
Genome position (GRCh38, 1-based): chr13:102,676,394, A>T. VCF-style: chr13-102676394-A-T. GRCh37 (hg19) VCF-style: chr13-103328744-A-T.
Other names: c.3765A>T, p.Glu1255Asp (NM_001367947.1); c.3639A>T, p.Glu1213Asp (NM_003291.4); short protein forms E1255D, E1226D, E1213D.
Identifiers: ClinVar variation 2977495 (VCV002977495.3), dbSNP rs762204578, ClinGen allele CA7038329.